The following is an entry in ClinVar:

NM_017565.4(FAM20A):c.1240T>C (p.Tyr414His)

Genes: FAM20A (FAM20A golgi associated secretory pathway pseudokinase; minus strand), PRKAR1A (protein kinase cAMP-dependent type I regulatory subunit alpha; plus strand). Cytogenetic location: 17q24.2.
Variant type: single nucleotide variant.
Coding change: c.1240T>C on transcript NM_017565.4 (MANE Select); coding-DNA position 1240, T replaced by C.
Protein change: p.Tyr414His; replaces tyrosine 414 with histidine.
Molecular consequence: missense variant. On other transcripts: non-coding transcript variant (1), intron variant (1).
Genome position (GRCh38, 1-based): chr17:68,539,946, A>G on the plus strand (T>C on the coding strand, the complement: FAM20A is on the minus strand). VCF-style: chr17-68539946-A-G. GRCh37 (hg19) VCF-style: chr17-66536087-A-G.
Other names: c.826T>C, p.Tyr276His (NM_001243746.2); c.973+9945A>G (NM_001276290.1); short protein forms Y276H, Y414H.
Identifiers: ClinVar variation 713709 (VCV000713709.18), dbSNP rs372864017, ClinGen allele CA8729725.

ClinVar aggregate classification (germline): Benign/Likely benign. Review status: criteria provided, multiple submitters, no conflicts (2 of 4 stars). 3 submissions from 3 submitters: Benign (1); Likely benign (2). Last evaluated 2026-09-08.

Conditions:
PRKAR1A-related disorder. Also called: PRKAR1A-related condition.

Allele frequency attached by ClinVar (database versions not stated): gnomAD exomes 0.00055 and 0.00107; 1000 Genomes Project 30x 0.00062; gnomAD 0.00020 and 0.00008; 1000 Genomes Project 0.00060; ExAC 0.00119; TOPMed 0.00011.
gnomAD v4.1: 829 of 1,614,144 alleles (0.051%); highest among the groups gnomAD compares: South Asian, 0.74%; 12 homozygotes.

Submissions (3):

PreventionGenetics, part of Exact Sciences
Classification: Likely benign for PRKAR1A-related condition. Last evaluated: 2026-09-08. Review status: criteria provided, single submitter. Criteria: ACMG Guidelines, 2015. Collection method: clinical testing. Allele origin: germline.
Comment: This variant is classified as likely benign based on ACMG/AMP sequence variant interpretation guidelines (Richards et al. 2015 PMID: 25741868, with internal and published modifications).

CeGaT Center for Human Genetics Tuebingen
Classification: Likely benign. Last evaluated: 2025-08-01. Review status: criteria provided, single submitter. Criteria: CeGaT Center For Human Genetics Tuebingen Variant Classification Criteria Version 2. Collection method: clinical testing. Allele origin: germline. Affected: yes. Observed: 1 variant allele.
Comment: FAM20A: PP3, BS2

Labcorp Genetics (formerly Invitae), Labcorp
Classification: Benign. Last evaluated: 2025-05-01. Review status: criteria provided, single submitter. Criteria: Invitae Variant Classification Sherloc (09022015). Collection method: clinical testing. Allele origin: germline.